The following is an entry in ClinVar:

NM_001211.6(BUB1B):c.896C>T (p.Pro299Leu)

Gene: BUB1B (BUB1 mitotic checkpoint serine/threonine kinase B; plus strand). Cytogenetic location: 15q15.1.
Variant type: single nucleotide variant.
Coding change: c.896C>T on transcript NM_001211.6 (MANE Select); coding-DNA position 896, C replaced by T.
Protein change: p.Pro299Leu; replaces proline 299 with leucine.
Molecular consequence: missense variant.
Genome position (GRCh38, 1-based): chr15:40,185,309, C>T. VCF-style: chr15-40185309-C-T. GRCh37 (hg19) VCF-style: chr15-40477510-C-T.
Other names: short protein forms P299L.
Identifiers: ClinVar variation 3262274 (VCV003262274.1).

ClinVar aggregate classification (germline): Uncertain significance (1 of 4 stars; one submission).

Conditions:
Inborn genetic diseases. Identifiers: MedGen C0950123, MeSH D030342.

gnomAD v4.1: 1 of 1,614,064 alleles (0.000062%); highest among the groups gnomAD compares: Non-Finnish European, 0.000085%; no homozygotes.

Submission:

Ambry Genetics
Classification: Uncertain significance for Inborn genetic diseases. Last evaluated: 2024-06-10. Review status: criteria provided, single submitter. Criteria: Ambry Variant Classification Scheme 2023. Collection method: clinical testing. Allele origin: germline.
Comment: The p.P299L variant (also known as c.896C>T), located in coding exon 7 of the BUB1B gene, results from a C to T substitution at nucleotide position 896. The proline at codon 299 is replaced by leucine, an amino acid with similar properties. This amino acid position is conserved. In addition, this alteration is predicted to be tolerated by in silico analysis. Based on the available evidence, the clinical significance of this variant remains unclear.